The following is an entry in ClinVar:

NM_033118.4(MYLK2):c.256C>G (p.Pro86Ala)

Gene: MYLK2 (myosin light chain kinase 2; plus strand). Cytogenetic location: 20q11.21.
Variant type: single nucleotide variant.
Coding change: c.256C>G on transcript NM_033118.4 (MANE Select); coding-DNA position 256, C replaced by G.
Protein change: p.Pro86Ala; replaces proline 86 with alanine.
Molecular consequence: missense variant.
Genome position (GRCh38, 1-based): chr20:31,820,329, C>G. VCF-style: chr20-31820329-C-G. GRCh37 (hg19) VCF-style: chr20-30408132-C-G.
Other names: short protein forms P86A.
Identifiers: ClinVar variation 3401158 (VCV003401158.1).

ClinVar aggregate classification (germline): Uncertain significance (1 of 4 stars; one submission).

gnomAD v4.1: 8 of 1,613,002 alleles (0.0005%); highest among the groups gnomAD compares: Non-Finnish European, 0.00068%; no homozygotes.

Submission:

Ambry Genetics
Classification: Uncertain significance. Last evaluated: 2024-11-27. Review status: criteria provided, single submitter. Criteria: Ambry Variant Classification Scheme 2023. Collection method: clinical testing. Allele origin: germline.
Comment: The p.P86A variant (also known as c.256C>G), located in coding exon 2 of the MYLK2 gene, results from a C to G substitution at nucleotide position 256. The proline at codon 86 is replaced by alanine, an amino acid with highly similar properties. This amino acid position is conserved. In addition, this alteration is predicted to be tolerated by in silico analysis. Based on the available evidence, the clinical significance of this variant remains unclear.